The following is an entry in ClinVar:

NM_004999.4(MYO6):c.2107G>A (p.Gly703Ser)

Gene: MYO6 (myosin VI; plus strand). Cytogenetic location: 6q14.1.
Variant type: single nucleotide variant.
Coding change: c.2107G>A on transcript NM_004999.4 (MANE Select); coding-DNA position 2107, G replaced by A.
Protein change: p.Gly703Ser; replaces glycine 703 with serine.
Molecular consequence: missense variant. On other transcripts: non-coding transcript variant (1).
Genome position (GRCh38, 1-based): chr6:75,879,849, G>A. VCF-style: chr6-75879849-G-A. GRCh37 (hg19) VCF-style: chr6-76589566-G-A.
Other names: c.2107G>A, p.Gly703Ser (NM_001300899.2, NM_001368136.1, NM_001368137.1 and 2 more transcripts); c.2092G>A, p.Gly698Ser (NM_001368138.1); short protein forms G703S, G698S.
Identifiers: ClinVar variation 4984792 (VCV004984792.1).

ClinVar aggregate classification (germline): Uncertain significance (1 of 4 stars; one submission).

Conditions:
MYO6-related disorder. Also called: MYO6-related disorders; MYO6-related condition.

gnomAD v4.1: 3 of 1,613,996 alleles (0.00019%); highest among the groups gnomAD compares: Middle Eastern, 0.033%; no homozygotes.

Submission:

PreventionGenetics, part of Exact Sciences
Classification: Uncertain significance for MYO6-related condition. Last evaluated: 2026-08-02. Review status: criteria provided, single submitter. Criteria: ACMG Guidelines, 2015. Collection method: clinical testing. Allele origin: germline.
Comment: The MYO6 c.2107G>A variant is predicted to result in the amino acid substitution p.Gly703Ser. To our knowledge, this variant has not been reported in the literature or in a large population database (gnomAD), indicating this variant is rare. At this time, the clinical significance of this variant is uncertain due to the absence of conclusive functional and genetic evidence.